The following is an entry in ClinVar:

ClinVar aggregate classification (germline): Uncertain significance (1 of 4 stars; one submission).

Conditions:
Infantile-onset X-linked spinal muscular atrophy. Also called: Spinal Muscular Atrophy, X-Linked Infantile; AMC, DISTAL, X-LINKED; ARTHROGRYPOSIS, X-LINKED, TYPE I; SPINAL MUSCULAR ATROPHY, X-LINKED LETHAL INFANTILE; Spinal muscular atrophy, X-linked 2. Identifiers: Orphanet 1145, MedGen C1844934, MONDO:0010532, OMIM 301830.

Allele frequency attached by ClinVar (database versions not stated): gnomAD exomes below 0.00001; ExAC 0.00001; gnomAD 0.00001; TOPMed 0.00001.

Submission:

Labcorp Genetics (formerly Invitae), Labcorp
Classification: Uncertain significance for Infantile-onset X-linked spinal muscular atrophy. Last evaluated: 2023-10-23. Review status: criteria provided, single submitter. Criteria: Invitae Variant Classification Sherloc (09022015). Collection method: clinical testing. Allele origin: germline.
Comment: This sequence change replaces arginine, which is basic and polar, with tryptophan, which is neutral and slightly polar, at codon 69 of the UBA1 protein (p.Arg69Trp). This variant is present in population databases (rs782283461, gnomAD 0.001%), including at least one homozygous and/or hemizygous individual. This variant has not been reported in the literature in individuals affected with UBA1-related conditions. An algorithm developed to predict the effect of missense changes on protein structure and function (PolyPhen-2) suggests that this variant is likely to be disruptive. In summary, the available evidence is currently insufficient to determine the role of this variant in disease. Therefore, it has been classified as a Variant of Uncertain Significance.

NM_003334.4(UBA1):c.205C>T (p.Arg69Trp)

Genes: UBA1 (ubiquitin like modifier activating enzyme 1; plus strand), LOC126863253 (CDK7 strongly-dependent group 2 enhancer GRCh37_chrX:47057593-47058792; plus strand). Cytogenetic location: Xp11.3.
Variant type: single nucleotide variant.
Coding change: c.205C>T on transcript NM_003334.4 (MANE Select); coding-DNA position 205, C replaced by T.
Protein change: p.Arg69Trp; replaces arginine 69 with tryptophan.
Molecular consequence: missense variant.
Genome position (GRCh38, 1-based): chrX:47,199,237, C>T. VCF-style: chrX-47199237-C-T. GRCh37 (hg19) VCF-style: chrX-47058636-C-T.
Other names: c.205C>T, p.Arg69Trp (NM_153280.3); short protein forms R69W.
Identifiers: ClinVar variation 2842330 (VCV002842330.3), dbSNP rs782283461, ClinGen allele CA10395627.